The following is an entry in ClinVar:

NM_000179.3(MSH6):c.3014G>T (p.Arg1005Leu)

Gene: MSH6 (mutS homolog 6; plus strand). Cytogenetic location: 2p16.3.
Variant type: single nucleotide variant.
Coding change: c.3014G>T on transcript NM_000179.3 (MANE Select); coding-DNA position 3014, G replaced by T.
Protein change: p.Arg1005Leu; replaces arginine 1005 with leucine.
Molecular consequence: missense variant.
Genome position (GRCh38, 1-based): chr2:47,800,997, G>T. VCF-style: chr2-47800997-G-T. GRCh37 (hg19) VCF-style: chr2-48028136-G-T.
Other names: c.2624G>T, p.Arg875Leu (NM_001281492.2); c.2108G>T, p.Arg703Leu (NM_001281493.2, NM_001281494.2); short protein forms R1005L, R875L, R703L.
Identifiers: ClinVar variation 455228 (VCV000455228.14), dbSNP rs587782324, ClinGen allele CA346756426.

ClinVar aggregate classification (germline): Conflicting classifications of pathogenicity. Review status: criteria provided, conflicting classifications (1 of 4 stars). 5 submissions from 5 submitters: Likely pathogenic (1); Uncertain significance (4). Last evaluated 2025-12-22.

Conditions:
Endometrial carcinoma. Also called: Endometrial carcinoma, somatic. Identifiers: MedGen C0476089, MONDO:0002447, OMIM 608089, HP:0012114.
Lynch syndrome 5 (LYNCH5). Also called: Hereditary non-polyposis colorectal cancer, type 5; Colorectal cancer, hereditary nonpolyposis, type 5. Identifiers: Orphanet 144, MedGen C1833477, MONDO:0013710, OMIM 614350. Disease mechanism: loss of function.
Mismatch repair cancer syndrome 3. Identifiers: MedGen C5436807, MONDO:0030841, OMIM 619097.
Hereditary nonpolyposis colorectal neoplasms. Identifiers: MedGen C0009405, MeSH D003123.
Hereditary cancer-predisposing syndrome. Also called: Hereditary Cancer Syndrome; Hereditary neoplastic syndrome; Neoplastic Syndromes, Hereditary; Tumor predisposition. Identifiers: Orphanet 140162, MedGen C0027672, MeSH D009386, MONDO:0015356.

Allele frequency attached by ClinVar (database versions not stated): TOPMed 0.00001.
gnomAD v4.1: 8 of 1,562,958 alleles (0.00051%); highest among the groups gnomAD compares: Non-Finnish European, 0.00069%; no homozygotes.

Submissions (5):

Labcorp Genetics (formerly Invitae), Labcorp
Classification: Likely pathogenic for Hereditary nonpolyposis colorectal neoplasms. Last evaluated: 2025-12-22. Review status: criteria provided, single submitter. Criteria: Invitae Variant Classification Sherloc (09022015). Collection method: clinical testing. Allele origin: germline.
Comment: This sequence change replaces arginine, which is basic and polar, with leucine, which is neutral and non-polar, at codon 1005 of the MSH6 protein (p.Arg1005Leu). This variant is present in population databases (no rsID available, gnomAD 0.0009%). This variant has not been reported in the literature in individuals affected with MSH6-related conditions. ClinVar contains an entry for this variant (Variation ID: 455228). Invitae Evidence Modeling of protein sequence and biophysical properties (such as structural, functional, and spatial information, amino acid conservation, physicochemical variation, residue mobility, and thermodynamic stability) indicates that this missense variant is expected to disrupt MSH6 protein function with a positive predictive value of 95%. This variant disrupts the p.Arg1005 amino acid residue in MSH6. Other variant(s) that disrupt this residue have been determined to be pathogenic (internal data). This suggests that this residue is clinically significant, and that variants that disrupt this residue are likely to be disease-causing. In summary, the currently available evidence indicates that the variant is pathogenic, but additional data are needed to prove that conclusively. Therefore, this variant has been classified as Likely Pathogenic.

Molecular Pathology, Peter Maccallum Cancer Centre
Classification: Uncertain significance for Lynch syndrome 5. Last evaluated: 2024-09-11. Review status: criteria provided, single submitter. Criteria: ACMG Guidelines, 2015. Collection method: clinical testing. Allele origin: germline. Inheritance: Autosomal dominant inheritance.

Ambry Genetics
Classification: Uncertain significance for Hereditary cancer-predisposing syndrome. Last evaluated: 2023-12-18. Review status: criteria provided, single submitter. Criteria: Ambry Variant Classification Scheme 2023. Collection method: clinical testing. Allele origin: germline.
Comment: The p.R1005L variant (also known as c.3014G>T), located in coding exon 4 of the MSH6 gene, results from a G to T substitution at nucleotide position 3014. The arginine at codon 1005 is replaced by leucine, an amino acid with dissimilar properties. This amino acid position is highly conserved in available vertebrate species. In addition, this alteration is predicted to be deleterious by in silico analysis. Since supporting evidence is limited at this time, the clinical significance of this alteration remains unclear.

Fulgent Genetics
Classification: Uncertain significance for Endometrial carcinoma; Lynch syndrome 5; Mismatch repair cancer syndrome 3. Last evaluated: 2022-05-12. Review status: criteria provided, single submitter. Criteria: ACMG Guidelines, 2015. Collection method: clinical testing. Allele origin: unknown.

Color Diagnostics, LLC DBA Color Health
Classification: Uncertain significance for Hereditary cancer-predisposing syndrome. Last evaluated: 2021-04-05. Review status: criteria provided, single submitter. Criteria: ACMG Guidelines, 2015. Collection method: clinical testing. Allele origin: germline.
Comment: This missense variant replaces arginine with leucine at codon 1005 of the MSH6 protein. Computational prediction suggests that this variant may have deleterious impact on protein structure and function (internally defined REVEL score threshold >= 0.7, PMID: 27666373). To our knowledge, functional studies have not been reported for this variant. This variant has not been reported in individuals affected with hereditary cancer in the literature. This variant has been identified in 1/241392 chromosomes in the general population by the Genome Aggregation Database (gnomAD). The available evidence is insufficient to determine the role of this variant in disease conclusively. Therefore, this variant is classified as a Variant of Uncertain Significance.